The following is an entry in ClinVar:

NM_000038.6(APC):c.203del (p.Leu68fs)

Gene: APC (APC regulator of Wnt signaling pathway; plus strand). Cytogenetic location: 5q22.2.
Variant type: Deletion.
Coding change: c.203del on transcript NM_000038.6 (MANE Select); coding-DNA position 203, one base deleted (T; older notation c.203delT).
Protein change: p.Leu68fs; shifts the reading frame from leucine 68.
Molecular consequence: frameshift variant. On other transcripts: 5 prime UTR variant (1).
Genome position (GRCh38, 1-based): chr5:112,766,393, T deleted; the last of 3 consecutive T bases (chr5:112,766,391-112,766,393); deleting any one gives the same sequence. VCF-style (leftmost placement, unchanged base first): chr5-112766390-AT-A. GRCh37 (hg19) VCF-style: chr5-112102087-AT-A.
Other names: NM_000038.6(APC):c.203del; p.Leu68fs; c.203delT (NM_000038.5); c.203del, p.Leu68fs (NM_001127510.3, NM_001354895.2, NM_001354896.2 and 2 more transcripts); c.233del, p.Leu78fs (NM_001127511.3, NM_001354897.2, NM_001354902.2); c.128del, p.Leu43fs (NM_001354898.2, NM_001354904.2); c.26del, p.Leu9fs (NM_001354900.2, NM_001354901.2, NM_001354905.2); c.-833del (NM_001354906.2); short protein forms L9fs, L43fs, L68fs, L78fs.
Identifiers: ClinVar variation 934724 (VCV000934724.15), dbSNP rs1756331894, ClinGen allele CA1139658985.

ClinVar aggregate classification (germline): Pathogenic. Review status: reviewed by expert panel (3 of 4 stars). 6 submissions from 6 submitters: Pathogenic (1). 5 of the submissions do not count toward it. Last evaluated 2025-05-19.

Conditions:
Hereditary cancer-predisposing syndrome. Also called: Neoplastic Syndromes, Hereditary; Hereditary Cancer Syndrome; Hereditary neoplastic syndrome; Tumor predisposition. Identifiers: Orphanet 140162, MedGen C0027672, MeSH D009386, MONDO:0015356.
Familial adenomatous polyposis 1 (FAP1). Also called: POLYPOSIS, ADENOMATOUS INTESTINAL; FAMILIAL ADENOMATOUS POLYPOSIS 1, ATTENUATED. Identifiers: MedGen C2713442, MONDO:0021056, OMIM 175100. Disease mechanism: loss of function.

Submissions (6):

ClinGen InSiGHT Hereditary Colorectal Cancer/Polyposis Variant Curation Expert Panel
Classification: Pathogenic for Familial adenomatous polyposis 1. Last evaluated: 2025-05-19. Review status: reviewed by expert panel. Criteria: ClinGen InSiGHT HCCP VCEP ACMG Specifications APC V1. Collection method: curation. Allele origin: germline. Inheritance: Autosomal dominant inheritance.
Comment: The NM_000038.6(APC):c.203del (p.Leu68TyrfsTer2) variant in APC is a nonsense variant located between codon 49 and 2645 and predicted to cause a premature stop codon in exon 3 in a gene in which loss-of-function is an established disease mechanism (PVS1). This variant has been reported in 2 probands meeting phenotypic criteria, resulting in a total phenotype score of 1 (PS4_Supporting, internal data Invitae, MGZ Medical Genetics Center). This variant is absent from gnomAD v2.1.1 (PM2_Supporting). In summary, this variant meets the criteria to be classified as Pathogenic for autosomal-dominant inherited FAP based on the ACMG/AMP criteria applied, as specified by the ClinGen InSiGHT Hereditary Colorectal Cancer/Polyposis: criteria PVS1, PS4_Supporting and PM2_Supporting applied (VCEP specifications v2.0.3; date of approval 7/24/2023).

Quest Diagnostics Nichols Institute San Juan Capistrano
Classification: Likely pathogenic. Last evaluated: 2024-12-26. Review status: criteria provided, single submitter. Criteria: Quest Diagnostics criteria. Collection method: clinical testing. Allele origin: unknown. Not counted in ClinVar's aggregate classification.
Comment: The APC c.203del (p.Leu68Tyrfs*2) variant alters the translational reading frame of the APC mRNA and is predicted to cause the premature termination of APC protein synthesis. This variant has been reported in the published literature in individuals with APC-related phenotype based on internal lab contributors (PMID: 39357517 (2024)). This variant has not been reported in large, multi-ethnic general populations (Genome Aggregation Database). Based on the available information, this variant is classified as likely pathogenic.

Ambry Genetics
Classification: Pathogenic for Hereditary cancer-predisposing syndrome. Last evaluated: 2024-08-29. Review status: criteria provided, single submitter. Criteria: Ambry Variant Classification Scheme 2023. Collection method: clinical testing. Allele origin: germline. Not counted in ClinVar's aggregate classification.
Comment: The c.203delT pathogenic mutation, located in coding exon 2 of the APC gene, results from a deletion of one nucleotide at nucleotide position 203, causing a translational frameshift with a predicted alternate stop codon (p.L68Yfs*2). Premature termination codons are typically deleterious in nature. This variant is considered to be rare based on population cohorts in the Genome Aggregation Database (gnomAD). As such, this alteration is classified as a disease-causing mutation. However, alterations that result in premature termination in coding exon 2 are associated with an attenuated phenotype and may have reduced penetrance compared to classic familial adenomatous polyposis syndrome. Clinical correlation is advised.

Baylor Genetics
Classification: Likely pathogenic for Familial adenomatous polyposis 1. Last evaluated: 2023-09-20. Review status: criteria provided, single submitter. Criteria: ACMG Guidelines, 2015. Collection method: clinical testing. Allele origin: unknown. Not counted in ClinVar's aggregate classification.

Myriad Genetics, Inc.
Classification: Pathogenic for Familial adenomatous polyposis 1. Last evaluated: 2023-04-25. Review status: criteria provided, single submitter. Criteria: Myriad Autosomal Dominant, Autosomal Recessive and X-Linked Classification Criteria (2023). Collection method: clinical testing. Allele origin: unknown. Not counted in ClinVar's aggregate classification.
Comment: This variant is considered pathogenic. This variant creates a frameshift predicted to result in premature protein truncation.

Labcorp Genetics (formerly Invitae), Labcorp
Classification: Pathogenic for Familial adenomatous polyposis 1. Last evaluated: 2021-09-25. Review status: criteria provided, single submitter. Criteria: Invitae Variant Classification Sherloc (09022015). Collection method: clinical testing. Allele origin: germline. Not counted in ClinVar's aggregate classification.
Comment: This variant is not present in population databases (ExAC no frequency). This sequence change creates a premature translational stop signal (p.Leu68Tyrfs*2) in the APC gene. It is expected to result in an absent or disrupted protein product. Loss-of-function variants in APC are known to be pathogenic (PMID: 17963004, 20685668). For these reasons, this variant has been classified as Pathogenic. ClinVar contains an entry for this variant (Variation ID: 934724). This variant has not been reported in the literature in individuals affected with APC-related conditions.

Literature cited by the submitters: PubMed 39357517 (cited by Quest Diagnostics Nichols Institute San Juan Capistrano); PubMed 17963004 (cited by Labcorp Genetics (formerly Invitae), Labcorp); PubMed 20685668 (cited by Labcorp Genetics (formerly Invitae), Labcorp).